The following is an entry in ClinVar:

NM_004408.4(DNM1):c.1091G>A (p.Arg364Gln)

Gene: DNM1 (dynamin 1; plus strand). Cytogenetic location: 9q34.11.
Variant type: single nucleotide variant.
Coding change: c.1091G>A on transcript NM_004408.4 (MANE Select); coding-DNA position 1091, G replaced by A.
Protein change: p.Arg364Gln; replaces arginine 364 with glutamine.
Molecular consequence: missense variant.
Genome position (GRCh38, 1-based): chr9:128,222,559, G>A. VCF-style: chr9-128222559-G-A. GRCh37 (hg19) VCF-style: chr9-130984838-G-A.
Other names: c.1091G>A, p.Arg364Gln (NM_001005336.3, NM_001288737.2, NM_001288738.2 and 2 more transcripts); short protein forms R364Q.
Identifiers: ClinVar variation 3693955 (VCV003693955.2).
Genomic context (GRCh38, chr9:128,222,559, plus strand): 5'-TTGAGGGCTCAGGAGATCAGATCGACACCTACGAACTGTCAGGGGGAGCCCGCATTAACC[G>A]AATCTTCCACGAGCGCTTCCCTTTCGAGCTGGTCAAGGTAGGTCAGGCAGCCCTGGGGAC-3'
Protein context (NP_004399.2, residues 354-374): YELSGGARIN[Arg364Gln]IFHERFPFEL

ClinVar aggregate classification (germline): Uncertain significance (1 of 4 stars; one submission).

Conditions:
Developmental and epileptic encephalopathy, 31A. Also called: Epileptic encephalopathy, early infantile, 31; Developmental and epileptic encephalopathy, 31. Identifiers: Orphanet 2382, MedGen C4225357, MONDO:0014598, OMIM 616346.

gnomAD v4.1: 1 of 1,614,048 alleles (0.000062%); highest among the groups gnomAD compares: Non-Finnish European, 0.000085%; no homozygotes.

Submission:

Labcorp Genetics (formerly Invitae), Labcorp
Classification: Uncertain significance for Developmental and epileptic encephalopathy, 31A. Last evaluated: 2024-11-15. Review status: criteria provided, single submitter. Criteria: Invitae Variant Classification Sherloc (09022015). Collection method: clinical testing. Allele origin: germline.
Comment: This sequence change replaces arginine, which is basic and polar, with glutamine, which is neutral and polar, at codon 364 of the DNM1 protein (p.Arg364Gln). This variant is present in population databases (no rsID available, gnomAD 0.007%). This variant has not been reported in the literature in individuals affected with DNM1-related conditions. Invitae Evidence Modeling of protein sequence and biophysical properties (such as structural, functional, and spatial information, amino acid conservation, physicochemical variation, residue mobility, and thermodynamic stability) indicates that this missense variant is not expected to disrupt DNM1 protein function with a negative predictive value of 80%. In summary, the available evidence is currently insufficient to determine the role of this variant in disease. Therefore, it has been classified as a Variant of Uncertain Significance.